The following is an entry in ClinVar:

NM_000038.6(APC):c.3424A>G (p.Asn1142Asp)

Gene: APC (APC regulator of Wnt signaling pathway; plus strand). Cytogenetic location: 5q22.2.
Variant type: single nucleotide variant.
Coding change: c.3424A>G on transcript NM_000038.6 (MANE Select); coding-DNA position 3424, A replaced by G.
Protein change: p.Asn1142Asp; replaces asparagine 1142 with aspartic acid.
Molecular consequence: missense variant.
Genome position (GRCh38, 1-based): chr5:112,839,018, A>G. VCF-style: chr5-112839018-A-G. GRCh37 (hg19) VCF-style: chr5-112174715-A-G.
Other names: c.3424A>G, p.Asn1142Asp (NM_001127510.3, NM_001354895.2, NM_001407450.1); c.3370A>G, p.Asn1124Asp (NM_001127511.3); c.3478A>G, p.Asn1160Asp (NM_001354896.2, NM_001407447.1, NM_001407448.1 and 1 more transcripts); c.3454A>G, p.Asn1152Asp (NM_001354897.2); c.3349A>G, p.Asn1117Asp (NM_001354898.2); c.3340A>G, p.Asn1114Asp (NM_001354899.2); c.3301A>G, p.Asn1101Asp (NM_001354900.2); c.3247A>G, p.Asn1083Asp (NM_001354901.2, NM_001407453.1); and 11 more; short protein forms N1059D, N1083D, N1114D, N1117D, N1124D, N1135D, N1142D, N1170D.
Identifiers: ClinVar variation 1731295 (VCV001731295.8), dbSNP rs1765421692, ClinGen allele CA16028838.

ClinVar aggregate classification (germline): Uncertain significance. Review status: criteria provided, multiple submitters, no conflicts (2 of 4 stars). 2 submissions from 2 submitters: Uncertain significance (2). Last evaluated 2025-11-24.

Conditions:
Hereditary cancer-predisposing syndrome. Also called: Neoplastic Syndromes, Hereditary; Tumor predisposition; Hereditary Cancer Syndrome; Hereditary neoplastic syndrome. Identifiers: Orphanet 140162, MedGen C0027672, MeSH D009386, MONDO:0015356.
Familial adenomatous polyposis 1 (FAP1). Also called: FAMILIAL ADENOMATOUS POLYPOSIS 1, ATTENUATED; POLYPOSIS, ADENOMATOUS INTESTINAL. Identifiers: MedGen C2713442, MONDO:0021056, OMIM 175100. Disease mechanism: loss of function.

Allele frequency attached by ClinVar (database versions not stated): gnomAD exomes below 0.00001; TOPMed below 0.00001.
gnomAD v4.1: 7 of 1,614,154 alleles (0.00043%); highest among the groups gnomAD compares: Non-Finnish European, 0.00051%; no homozygotes.

Submissions (2):

Ambry Genetics
Classification: Uncertain significance for Hereditary cancer-predisposing syndrome. Last evaluated: 2025-11-24. Review status: criteria provided, single submitter. Criteria: Ambry Variant Classification Scheme 2023. Collection method: clinical testing. Allele origin: germline.
Comment: The p.N1142D variant (also known as c.3424A>G), located in coding exon 15 of the APC gene, results from an A to G substitution at nucleotide position 3424. The asparagine at codon 1142 is replaced by aspartic acid, an amino acid with highly similar properties. This amino acid position is highly conserved in available vertebrate species. In addition, in silico predictors for this gene do not accurately predict pathogenicity. Missense variants in APC are not a common cause of disease (Spier I et al. Genet Med. 2024 Feb;26(2):100992). Based on the available evidence, the clinical significance of this variant remains unclear.

Labcorp Genetics (formerly Invitae), Labcorp
Classification: Uncertain significance for Familial adenomatous polyposis 1. Last evaluated: 2024-04-02. Review status: criteria provided, single submitter. Criteria: Invitae Variant Classification Sherloc (09022015). Collection method: clinical testing. Allele origin: germline.
Comment: This sequence change replaces asparagine, which is neutral and polar, with aspartic acid, which is acidic and polar, at codon 1142 of the APC protein (p.Asn1142Asp). This variant is not present in population databases (gnomAD no frequency). This variant has not been reported in the literature in individuals affected with APC-related conditions. ClinVar contains an entry for this variant (Variation ID: 1731295). Advanced modeling of protein sequence and biophysical properties (such as structural, functional, and spatial information, amino acid conservation, physicochemical variation, residue mobility, and thermodynamic stability) performed at Invitae indicates that this missense variant is not expected to disrupt APC protein function with a negative predictive value of 95%. In summary, the available evidence is currently insufficient to determine the role of this variant in disease. Therefore, it has been classified as a Variant of Uncertain Significance.